The following is an entry in ClinVar:

NM_003978.5(PSTPIP1):c.839-2A>G

Gene: PSTPIP1 (proline-serine-threonine phosphatase interacting protein 1; plus strand). Cytogenetic location: 15q24.3.
Variant type: single nucleotide variant.
Coding change: c.839-2A>G on transcript NM_003978.5 (MANE Select); the canonical splice acceptor site of the intron before coding-DNA position 839, A replaced by G.
Molecular consequence: splice acceptor variant. On other transcripts: intron variant (1).
Genome position (GRCh38, 1-based): chr15:77,032,860, A>G. VCF-style: chr15-77032860-A-G. GRCh37 (hg19) VCF-style: chr15-77325201-A-G.
Other names: c.1034-2A>G (NM_001321137.1); c.812-2A>G (NM_001321136.2); c.872+432A>G (NM_001321135.2); c.839-2A>G (NM_001411086.1).
Identifiers: ClinVar variation 2813888 (VCV002813888.3), dbSNP rs2542864277, ClinGen allele CA393521313.
Genomic context (GRCh38, chr15:77,032,860, plus strand): 5'-TCTGGCAGGGCCAGAATGGGGTGTTGGGGGCCGCCCTGGGGCTCACGGCTTGCTGTCTGC[A>G]GCTCCGGTGCCCTACCAGAACTATTACGATCGGGAGGTCACCCCGCTGACCAGCAGCCCT-3'

ClinVar aggregate classification (germline): Uncertain significance (1 of 4 stars; one submission).

Conditions:
Pyogenic arthritis-pyoderma gangrenosum-acne syndrome (PAPA). Also called: FAMILIAL RECURRENT ARTHRITIS; PAPA SYNDROME. Identifiers: Orphanet 69126, MedGen C1858361, MONDO:0011462, OMIM 604416.

Submission:

Labcorp Genetics (formerly Invitae), Labcorp
Classification: Uncertain significance for Pyogenic arthritis-pyoderma gangrenosum-acne syndrome. Last evaluated: 2022-11-12. Review status: criteria provided, single submitter. Criteria: Invitae Variant Classification Sherloc (09022015). Collection method: clinical testing. Allele origin: germline.
Comment: This variant has not been reported in the literature in individuals affected with PSTPIP1-related conditions. This sequence change affects an acceptor splice site in intron 11 of the PSTPIP1 gene. It is expected to disrupt RNA splicing. Variants that disrupt the donor or acceptor splice site typically lead to a loss of protein function (PMID: 16199547), however the current clinical and genetic evidence is not sufficient to establish whether loss-of-function variants in PSTPIP1 cause disease. This variant is not present in population databases (gnomAD no frequency). Algorithms developed to predict the effect of sequence changes on RNA splicing suggest that this variant may disrupt the consensus splice site. In summary, the available evidence is currently insufficient to determine the role of this variant in disease. Therefore, it has been classified as a Variant of Uncertain Significance.

Literature cited by the submitters: PubMed 16199547.